The following is an entry in ClinVar:

ClinVar aggregate classification (germline): Uncertain significance (1 of 4 stars; one submission).

Conditions:
Autosomal dominant limb-girdle muscular dystrophy type 1F (LGMDD2). Also called: Limb-girdle muscular dystrophy, type 1F; MUSCULAR DYSTROPHY, LIMB-GIRDLE, AUTOSOMAL DOMINANT 2. Identifiers: Orphanet 55595, MedGen C1842062, MONDO:0012034, OMIM 608423.

Submission:

Labcorp Genetics (formerly Invitae), Labcorp
Classification: Uncertain significance for Autosomal dominant limb-girdle muscular dystrophy type 1F. Last evaluated: 2024-01-19. Review status: criteria provided, single submitter. Criteria: Invitae Variant Classification Sherloc (09022015). Collection method: clinical testing. Allele origin: germline.
Comment: This sequence change replaces asparagine, which is neutral and polar, with isoleucine, which is neutral and non-polar, at codon 602 of the TNPO3 protein (p.Asn602Ile). This variant is not present in population databases (gnomAD no frequency). This variant has not been reported in the literature in individuals affected with TNPO3-related conditions. Advanced modeling of protein sequence and biophysical properties (such as structural, functional, and spatial information, amino acid conservation, physicochemical variation, residue mobility, and thermodynamic stability) performed at Invitae indicates that this missense variant is not expected to disrupt TNPO3 protein function with a negative predictive value of 80%. In summary, the available evidence is currently insufficient to determine the role of this variant in disease. Therefore, it has been classified as a Variant of Uncertain Significance.

NM_012470.4(TNPO3):c.1805A>T (p.Asn602Ile)

Gene: TNPO3 (transportin 3; minus strand). Cytogenetic location: 7q32.1.
Variant type: single nucleotide variant.
Coding change: c.1805A>T on transcript NM_012470.4 (MANE Select); coding-DNA position 1805, A replaced by T.
Protein change: p.Asn602Ile; replaces asparagine 602 with isoleucine.
Molecular consequence: missense variant. On other transcripts: non-coding transcript variant (16).
Genome position (GRCh38, 1-based): chr7:128,982,302, T>A on the plus strand (A>T on the coding strand, the complement: TNPO3 is on the minus strand). VCF-style: chr7-128982302-T-A. GRCh37 (hg19) VCF-style: chr7-128622356-T-A.
Other names: c.1613A>T, p.Asn538Ile (NM_001191028.3, NM_001382223.1); c.1907A>T, p.Asn636Ile (NM_001382216.1); c.1886A>T, p.Asn629Ile (NM_001382217.1); c.1805A>T, p.Asn602Ile (NM_001382218.1, NM_001382220.1); c.1697A>T, p.Asn566Ile (NM_001382219.1); c.1661A>T, p.Asn554Ile (NM_001382221.1); c.1658A>T, p.Asn553Ile (NM_001382222.1); short protein forms N553I, N538I, N602I, N629I, N636I, N566I, N554I.
Identifiers: ClinVar variation 2994513 (VCV002994513.3), dbSNP rs763500665, ClinGen allele CA369224123.